The following is an entry in ClinVar:

NM_001371596.2(MFSD8):c.1439G>T (p.Gly480Val)

Gene: MFSD8 (major facilitator superfamily domain containing 8; minus strand). Cytogenetic location: 4q28.2.
Variant type: single nucleotide variant.
Coding change: c.1439G>T on transcript NM_001371596.2 (MANE Select); coding-DNA position 1439, G replaced by T.
Protein change: p.Gly480Val; replaces glycine 480 with valine.
Molecular consequence: missense variant.
Genome position (GRCh38, 1-based): chr4:127,920,748, C>A on the plus strand (G>T on the coding strand, the complement: MFSD8 is on the minus strand). VCF-style: chr4-127920748-C-A. GRCh37 (hg19) VCF-style: chr4-128841903-C-A.
Other names: c.1238G>T, p.Gly413Val (NM_001363520.3); c.1124G>T, p.Gly375Val (NM_001363521.3); c.1304G>T, p.Gly435Val (NM_001371590.2); c.1448G>T, p.Gly483Val (NM_001371591.2); c.1445G>T, p.Gly482Val (NM_001371592.2); c.1325G>T, p.Gly442Val (NM_001371593.2); c.1292G>T, p.Gly431Val (NM_001371594.2); c.1157G>T, p.Gly386Val (NM_001371595.1); and 3 more; short protein forms G375V, G386V, G413V, G431V, G435V, G442V, G480V, G482V.
Identifiers: ClinVar variation 1675963 (VCV001675963.35), dbSNP rs2148837121, ClinGen allele CA358170682.

ClinVar aggregate classification (germline): Conflicting classifications of pathogenicity. Review status: criteria provided, conflicting classifications (1 of 4 stars). 2 submissions from 2 submitters: Likely pathogenic (1); Uncertain significance (1). Last evaluated 2022-03-01.

Conditions:
Neuronal ceroid lipofuscinosis 7 (CLN7). Also called: MFSD8-Related Neuronal Ceroid-Lipofuscinosis. Identifiers: Orphanet 168491, Orphanet 228366, MedGen C1838571, MONDO:0012588, OMIM 610951.

Submissions (2):

CeGaT Center for Human Genetics Tuebingen
Classification: Likely pathogenic. Last evaluated: 2022-03-01. Review status: criteria provided, single submitter. Criteria: CeGaT Center For Human Genetics Tuebingen Variant Classification Criteria Version 2. Collection method: clinical testing. Allele origin: germline. Affected: yes. Observed: 1 variant allele.
Comment: MFSD8: PM2, PM3, PM5:Supporting, PP4

Neuberg Centre For Genomic Medicine, NCGM
Classification: Uncertain significance for Neuronal ceroid lipofuscinosis 7. Review status: criteria provided, single submitter. Criteria: ACMG Guidelines, 2015. Collection method: clinical testing. Allele origin: germline. Inheritance: Autosomal recessive inheritance. Affected: yes.
Comment: The observed missense variant c.1439G>T (p.Gly480Val) in MFSD8 gene has not been reported previously as a pathogenic variant nor as a benign variant, to our knowledge. The p.Gly480Val variant is absent in gnomAD Exomes database. This variant has been submitted to the ClinVar database as Likely Pathogenic, but no details are available for independent assessment. Multiple lines of computational evidence (SIFT - damaging; Polyphen - probably damaging; MutationTaster - disease causing) predicts a damaging effect on protein structure and function for this variant. The amino acid change p.Gly480Val in MFSD8 is predicted as conserved by GERP++ and PhyloP across 100 vertebrates. The amino acid Gly at position 480 is changed to a Val changing protein sequence and it might alter its composition and physico-chemical properties. Additional studies will be required to prove the pathogenicity of this variant. For these reasons, this variant has been classified as a Variant of Uncertain Significance (VUS). In the absence of another reportable variant in the MFSD8 gene, the molecular diagnosis is not confirmed.